The following is an entry in ClinVar:

ClinVar aggregate classification (germline): Uncertain significance (1 of 4 stars; one submission).

Submission:

Ambry Genetics
Classification: Uncertain significance. Last evaluated: 2026-09-12. Review status: criteria provided, single submitter. Criteria: Ambry Variant Classification Scheme 2023. Collection method: clinical testing. Allele origin: germline.
Comment: The p.S1716G variant (also known as c.5146A>G), located in coding exon 22 of the WNK2 gene, results from an A to G substitution at nucleotide position 5146. The serine at codon 1716 is replaced by glycine, an amino acid with similar properties. This amino acid position is conserved. In addition, this alteration is predicted to be tolerated by in silico analysis. Based on the available evidence, the clinical significance of this variant remains unclear.

NM_006648.4(WNK2):c.5146A>G (p.Ser1716Gly)

Gene: WNK2 (WNK lysine deficient protein kinase 2; plus strand). Cytogenetic location: 9q22.31.
Variant type: single nucleotide variant.
Coding change: c.5146A>G on transcript NM_006648.4 (MANE Select); coding-DNA position 5146, A replaced by G.
Protein change: p.Ser1716Gly; replaces serine 1716 with glycine.
Molecular consequence: missense variant.
Genome position (GRCh38, 1-based): chr9:93,292,611, A>G. VCF-style: chr9-93292611-A-G. GRCh37 (hg19) VCF-style: chr9-96054893-A-G.
Other names: c.5257A>G, p.Ser1753Gly (NM_001282394.3); short protein forms S1716G, S1753G.
Identifiers: ClinVar variation 5031991 (VCV005031991.1).